The following is an entry in ClinVar:

ClinVar aggregate classification (germline): Uncertain significance. Review status: criteria provided, multiple submitters, no conflicts (2 of 4 stars). 2 submissions from 2 submitters: Uncertain significance (2). Last evaluated 2024-05-20.

Conditions:
Coenzyme Q10 deficiency, primary, 1. Also called: UBIQUINONE DEFICIENCY 1; COENZYME Q DEFICIENCY 1; CoQ DEFICIENCY 1. Identifiers: Orphanet 255249, MedGen C3551954, MONDO:0011829, OMIM 607426.
Multiple system atrophy 1, susceptibility to. Also called: MSA1, SUSCEPTIBILITY TO. Identifiers: MedGen C3714927, MONDO:0020715, OMIM 146500.

Allele frequency attached by ClinVar (database versions not stated): ExAC 0.00004.
gnomAD v4.1: 5 of 1,512,428 alleles (0.00033%); highest among the groups gnomAD compares: Admixed American, 0.0089%; no homozygotes.

Submissions (2):

Fulgent Genetics
Classification: Uncertain significance for Multiple system atrophy 1, susceptibility to; Coenzyme Q10 deficiency, primary, 1. Last evaluated: 2024-05-20. Review status: criteria provided, single submitter. Criteria: ACMG Guidelines, 2015. Collection method: clinical testing. Allele origin: germline.

Labcorp Genetics (formerly Invitae), Labcorp
Classification: Uncertain significance. Last evaluated: 2022-01-07. Review status: criteria provided, single submitter. Criteria: Invitae Variant Classification Sherloc (09022015). Collection method: clinical testing. Allele origin: germline.
Comment: This sequence change replaces isoleucine, which is neutral and non-polar, with leucine, which is neutral and non-polar, at codon 415 of the COQ2 protein (p.Ile415Leu). This variant is present in population databases (rs773516481, gnomAD 0.02%). This variant has not been reported in the literature in individuals affected with COQ2-related conditions. Algorithms developed to predict the effect of missense changes on protein structure and function (SIFT, PolyPhen-2, Align-GVGD) all suggest that this variant is likely to be tolerated. In summary, the available evidence is currently insufficient to determine the role of this variant in disease. Therefore, it has been classified as a Variant of Uncertain Significance.

NM_001358921.2(COQ2):c.1093A>T (p.Ile365Leu)

Gene: COQ2 (coenzyme Q2, polyprenyltransferase; minus strand). Cytogenetic location: 4q21.23.
Variant type: single nucleotide variant.
Coding change: c.1093A>T on transcript NM_001358921.2 (MANE Select); coding-DNA position 1093, A replaced by T.
Protein change: p.Ile365Leu; replaces isoleucine 365 with leucine.
Molecular consequence: missense variant.
Genome position (GRCh38, 1-based): chr4:83,264,222, T>A on the plus strand (A>T on the coding strand, the complement: COQ2 is on the minus strand). VCF-style: chr4-83264222-T-A. GRCh37 (hg19) VCF-style: chr4-84185375-T-A.
Other names: c.1243A>T (NM_015697.8); c.1243A>T, p.Ile415Leu (NM_015697.9); short protein forms I365L, I415L.
Identifiers: ClinVar variation 2074714 (VCV002074714.2), dbSNP rs773516481, ClinGen allele CA2988443.
Genomic context (GRCh38, chr4:83,264,222, plus strand): 5'-AAAAATGTTTTAAAAATTCCTAGATAAATTTCATTCATTAATTTTCTATTTTATTCTCTA[T>A]ACCCTTCTTTGTTTTGTCTGTCTTCTTTTCTTTCCACAAATTCCCAAGGACAATCCCTAA-3'
Protein context (NP_001345850.1, residues 355-371): EKKTDKTKKG[Ile365Leu]ENKIEN